The following is an entry in ClinVar:

NM_001356.5(DDX3X):c.1243A>T (p.Ile415Phe)

Gene: DDX3X (DEAD-box helicase 3 X-linked; plus strand). Cytogenetic location: Xp11.4.
Variant type: single nucleotide variant.
Coding change: c.1243A>T on transcript NM_001356.5 (MANE Select); coding-DNA position 1243, A replaced by T.
Protein change: p.Ile415Phe; replaces isoleucine 415 with phenylalanine.
Molecular consequence: missense variant. On other transcripts: non-coding transcript variant (1).
Genome position (GRCh38, 1-based): chrX:41,345,476, A>T. VCF-style: chrX-41345476-A-T. GRCh37 (hg19) VCF-style: chrX-41204729-A-T.
Other names: c.1243A>T, p.Ile415Phe (NM_001193416.3); c.1195A>T, p.Ile399Phe (NM_001193417.3); c.685A>T, p.Ile229Phe (NM_001363819.1); short protein forms I229F, I399F, I415F.
Identifiers: ClinVar variation 4684985 (VCV004684985.1).

ClinVar aggregate classification (germline): Likely pathogenic (1 of 4 stars; one submission).

Conditions:
Intellectual disability, X-linked 102 (MRXSSB). Also called: Intellectual developmental disorder, X-linked syndromic, Snijders Blok type. Identifiers: Orphanet 457260, MedGen C5393299, MONDO:0010497, OMIM 300958.

Submission:

Institute of Human Genetics, Heidelberg University
Classification: Likely pathogenic for Intellectual disability, X-linked 102. Last evaluated: 2026-01-07. Review status: criteria provided, single submitter. Criteria: ACMG Guidelines, 2015. Collection method: clinical testing. Allele origin: de novo. Affected: yes. Observed: 1 variant allele.
Comment: PS2_mod, PM5_mod, PS4_supp, PM2_supp